The following is an entry in ClinVar:

NM_001429.4(EP300):c.3143-3A>T

Gene: EP300 (EP300 lysine acetyltransferase; plus strand). Cytogenetic location: 22q13.2.
Variant type: single nucleotide variant.
Coding change: c.3143-3A>T on transcript NM_001429.4 (MANE Select); 3 bases into the intron before coding-DNA position 3143, A replaced by T.
Molecular consequence: intron variant.
Genome position (GRCh38, 1-based): chr22:41,154,992, A>T. VCF-style: chr22-41154992-A-T. GRCh37 (hg19) VCF-style: chr22-41550996-A-T.
Other names: c.3065-3A>T (NM_001362843.2); c.3143-3A>T (NM_001429.3).
Identifiers: ClinVar variation 1206201 (VCV001206201.6), dbSNP rs749597275, ClinGen allele CA10253062.

ClinVar aggregate classification (germline): Uncertain significance. Review status: criteria provided, single submitter (1 of 4 stars). 4 submissions from 4 submitters: Uncertain significance (1). 3 of the submissions do not count toward it. Last evaluated 2025-09-10.

Conditions:
Rubinstein-Taybi syndrome due to EP300 haploinsufficiency. Also called: RUBINSTEIN-TAYBI SYNDROME 2; EP300-Related Rubinstein-Taybi Syndrome. Identifiers: Orphanet 353284, Orphanet 783, MedGen C3150941, MONDO:0013364, OMIM 613684.
EP300-related disorder. Also called: EP300-related disorders; EP300-related condition.

Allele frequency attached by ClinVar (database versions not stated): ExAC 0.00005.

Submissions (4):

Labcorp Genetics (formerly Invitae), Labcorp
Classification: Uncertain significance for Rubinstein-Taybi syndrome due to EP300 haploinsufficiency. Last evaluated: 2025-09-10. Review status: criteria provided, single submitter. Criteria: Invitae Variant Classification Sherloc (09022015). Collection method: clinical testing. Allele origin: germline.
Comment: This sequence change falls in intron 16 of the EP300 gene. It does not directly change the encoded amino acid sequence of the EP300 protein. It affects a nucleotide within the consensus splice site. The frequency data for this variant in the population databases is considered unreliable, as metrics indicate poor data quality at this position in the gnomAD database. This variant has not been reported in the literature in individuals affected with EP300-related conditions. ClinVar contains an entry for this variant (Variation ID: 1206201). Variants that disrupt the consensus splice site are a relatively common cause of aberrant splicing (PMID: 17576681, 9536098). Algorithms developed to predict the effect of sequence changes on RNA splicing suggest that this variant is not likely to affect RNA splicing. In summary, the available evidence is currently insufficient to determine the role of this variant in disease. Therefore, it has been classified as a Variant of Uncertain Significance.

PreventionGenetics, part of Exact Sciences
Classification: Likely benign for EP300-related condition. Last evaluated: 2024-06-12. Review status: no assertion criteria provided. Collection method: clinical testing. Allele origin: germline. Not counted in ClinVar's aggregate classification.
Comment: This variant is classified as likely benign based on ACMG/AMP sequence variant interpretation guidelines (Richards et al. 2015 PMID: 25741868, with internal and published modifications).

Clinical Genetics DNA and cytogenetics Diagnostics Lab, Erasmus MC, Erasmus Medical Center
Classification: Likely benign. Review status: no assertion criteria provided. Collection method: clinical testing. Allele origin: germline. Affected: yes. Study: VKGL Data-share Consensus. Not counted in ClinVar's aggregate classification.

Laboratory of Diagnostic Genome Analysis, Leiden University Medical Center (LUMC)
Classification: Likely benign. Review status: no assertion criteria provided. Collection method: clinical testing. Allele origin: germline. Affected: yes. Study: VKGL Data-share Consensus. Not counted in ClinVar's aggregate classification.

Literature cited by the submitters: PubMed 17576681 (cited by Labcorp Genetics (formerly Invitae), Labcorp); PubMed 9536098 (cited by Labcorp Genetics (formerly Invitae), Labcorp).